The following is an entry in ClinVar:

ClinVar aggregate classification (germline): Pathogenic (1 of 4 stars; one submission).

Conditions:
Osteogenesis imperfecta type I (OI1). Also called: OI, TYPE I; OSTEOGENESIS IMPERFECTA TARDA; OSTEOGENESIS IMPERFECTA WITH BLUE SCLERAE; Classic Non-deforming Osteogenesis Imperfecta with Blue Sclerae; Lobstein disease; Osteogenesis imperfecta type 1. Identifiers: Orphanet 216796, Orphanet 666, MedGen C0023931, MONDO:0008146, OMIM 166200. Disease mechanism: loss of function.

Submission:

Labcorp Genetics (formerly Invitae), Labcorp
Classification: Pathogenic for Osteogenesis imperfecta type I. Last evaluated: 2021-12-19. Review status: criteria provided, single submitter. Criteria: Invitae Variant Classification Sherloc (09022015). Collection method: clinical testing. Allele origin: germline.
Comment: For these reasons, this variant has been classified as Pathogenic. This variant disrupts a region of the COL1A1 protein in which other variant(s) (p.Gly338Ser) have been determined to be pathogenic (PMID: 16786509, 17078022, 24668929; Invitae). This suggests that this is a clinically significant region of the protein, and that variants that disrupt it are likely to be disease-causing. This variant disrupts the triple helix domain of COL1A1. Glycine residues within the Gly-Xaa-Yaa repeats of the triple helix domain are required for the structure and stability of fibrillar collagens (PMID: 7695699, 8218237, 19344236). In COL1A1, variants affecting these glycine residues are significantly enriched in individuals with disease (PMID: 9016532, 17078022) compared to the general population (ExAC). This variant has been observed in individual(s) with osteogenesis imperfecta (Invitae). This variant is not present in population databases (gnomAD no frequency). This variant, c.1005_1013del, results in the deletion of 3 amino acid(s) of the COL1A1 protein (p.Thr337_Pro339del), but otherwise preserves the integrity of the reading frame.

Literature cited by the submitters: PubMed 16786509; PubMed 17078022; PubMed 24668929; PubMed 7695699; PubMed 8218237; PubMed 19344236; PubMed 9016532.

NM_000088.4(COL1A1):c.1005_1013del (p.Thr337_Pro339del)

Gene: COL1A1 (collagen type I alpha 1 chain; minus strand). Cytogenetic location: 17q21.33.
Variant type: Deletion.
Coding change: c.1005_1013del on transcript NM_000088.4 (MANE Select); coding-DNA positions 1005 to 1013, 9 bases deleted (TCCCACCGG; older notation c.1005_1013delTCCCACCGG).
Protein change: p.Thr337_Pro339del.
Molecular consequence: inframe deletion.
Genome position (GRCh38, 1-based): chr17:50,195,966-50,195,974, CCGGTGGGA deleted on the plus strand (TCCCACCGG on the coding strand, the reverse complement: COL1A1 is on the minus strand); deleting any 9 consecutive bases within chr17:50,195,966-50,195,976 gives the same sequence; the c. name uses the placement nearest the transcript's 3' end. VCF-style (leftmost placement, unchanged base first): chr17-50195965-GCCGGTGGGA-G. GRCh37 (hg19) VCF-style: chr17-48273326-GCCGGTGGGA-G.
Identifiers: ClinVar variation 2047869 (VCV002047869.4), dbSNP rs2509231851, ClinGen allele CA2580094147.
Genomic context (GRCh38, chr17:50,195,965, plus strand): 5'-GAGAGTGGGGGGTCTCACCTTAGCACCAACAGCACCAGGGAAGCCAGGAGGACCAGCGGG[GCCGGTGGGA>G]CCCTGTGAATGAAATGGAGATGTCAGCGAGAAGGAAGAGATGGCAGCTGCAAGTCACACC-3'